The following is an entry in ClinVar:

NM_033310.3(KCNK4):c.663C>G (p.Gly221=)

Genes: KCNK4 (potassium two pore domain channel subfamily K member 4; plus strand), KCNK4-CATSPERZ (KCNK4-CATSPERZ readthrough (NMD candidate); plus strand). Cytogenetic location: 11q13.1.
Variant type: single nucleotide variant.
Coding change: c.663C>G on transcript NM_033310.3 (MANE Select); coding-DNA position 663, C replaced by G.
Protein change: p.Gly221=; no amino-acid change (glycine 221 retained).
Molecular consequence: synonymous variant. On other transcripts: non-coding transcript variant (3).
Genome position (GRCh38, 1-based): chr11:64,298,111, C>G. VCF-style: chr11-64298111-C-G. GRCh37 (hg19) VCF-style: chr11-64065583-C-G.
Other names: c.663C>G, p.Gly221= (NM_001317090.2, NM_033311.1).
Identifiers: ClinVar variation 2641918 (VCV002641918.24), dbSNP rs748147206, ClinGen allele CA381065980.

ClinVar aggregate classification (germline): Likely benign (1 of 4 stars; one submission).

Submission:

CeGaT Center for Human Genetics Tuebingen
Classification: Likely benign. Last evaluated: 2022-10-01. Review status: criteria provided, single submitter. Criteria: CeGaT Center For Human Genetics Tuebingen Variant Classification Criteria Version 2. Collection method: clinical testing. Allele origin: germline. Affected: yes. Observed: 1 variant allele.
Comment: KCNK4: BP4, BP7